The following is an entry in ClinVar:

ClinVar aggregate classification (germline): Uncertain significance (1 of 4 stars; one submission).

Allele frequency attached by ClinVar (database versions not stated): TOPMed 0.00001.

Submission:

Labcorp Genetics (formerly Invitae), Labcorp
Classification: Uncertain significance. Last evaluated: 2021-11-27. Review status: criteria provided, single submitter. Criteria: Invitae Variant Classification Sherloc (09022015). Collection method: clinical testing. Allele origin: germline.
Comment: In summary, the available evidence is currently insufficient to determine the role of this variant in disease. Therefore, it has been classified as a Variant of Uncertain Significance. Algorithms developed to predict the effect of missense changes on protein structure and function are either unavailable or do not agree on the potential impact of this missense change (SIFT: "Deleterious"; PolyPhen-2: "Possibly Damaging"; Align-GVGD: "Class C0"). This variant has not been reported in the literature in individuals affected with TCF20-related conditions. This variant is not present in population databases (gnomAD no frequency). This sequence change replaces glutamic acid, which is acidic and polar, with glutamine, which is neutral and polar, at codon 1642 of the TCF20 protein (p.Glu1642Gln).

NM_001378418.1(TCF20):c.4924G>C (p.Glu1642Gln)

Gene: TCF20 (transcription factor 20; minus strand). Cytogenetic location: 22q13.2.
Variant type: single nucleotide variant.
Coding change: c.4924G>C on transcript NM_001378418.1 (MANE Select); coding-DNA position 4924, G replaced by C.
Protein change: p.Glu1642Gln; replaces glutamic acid 1642 with glutamine.
Molecular consequence: missense variant.
Genome position (GRCh38, 1-based): chr22:42,210,382, C>G on the plus strand (G>C on the coding strand, the complement: TCF20 is on the minus strand). VCF-style: chr22-42210382-C-G. GRCh37 (hg19) VCF-style: chr22-42606388-C-G.
Other names: c.4924G>C, p.Glu1642Gln (NM_005650.4, NM_181492.3); short protein forms E1642Q.
Identifiers: ClinVar variation 1961552 (VCV001961552.5), dbSNP rs1210863334, ClinGen allele CA411782973.